The following is an entry in ClinVar:

ClinVar aggregate classification (germline): Uncertain significance. Review status: criteria provided, multiple submitters, no conflicts (2 of 4 stars). 4 submissions from 4 submitters: Uncertain significance (4). Last evaluated 2024-11-25.

Conditions:
Sitosterolemia 1. Identifiers: MedGen C2749759, MONDO:0020747, OMIM 210250.
Cardiovascular phenotype. Identifiers: MedGen CN230736.

Allele frequency attached by ClinVar (database versions not stated): gnomAD exomes 0.00001 and below 0.00001.
gnomAD v4.1: 6 of 1,614,186 alleles (0.00037%); highest among the groups gnomAD compares: African/African-American, 0.0013%; no homozygotes.

Submissions (4):

Revvity Omics, Revvity
Classification: Uncertain significance for Sitosterolemia 1. Last evaluated: 2024-11-25. Review status: criteria provided, single submitter. Criteria: ACMG Guidelines, 2015. Collection method: clinical testing. Allele origin: germline.

Ambry Genetics
Classification: Uncertain significance for Cardiovascular phenotype. Last evaluated: 2024-06-10. Review status: criteria provided, single submitter. Criteria: Ambry Variant Classification Scheme 2023. Collection method: clinical testing. Allele origin: germline.

Labcorp Genetics (formerly Invitae), Labcorp
Classification: Uncertain significance. Last evaluated: 2023-08-14. Review status: criteria provided, single submitter. Criteria: Invitae Variant Classification Sherloc (09022015). Collection method: clinical testing. Allele origin: germline.
Comment: In summary, the available evidence is currently insufficient to determine the role of this variant in disease. Therefore, it has been classified as a Variant of Uncertain Significance. Advanced modeling of protein sequence and biophysical properties (such as structural, functional, and spatial information, amino acid conservation, physicochemical variation, residue mobility, and thermodynamic stability) performed at Invitae indicates that this missense variant is not expected to disrupt ABCG8 protein function. ClinVar contains an entry for this variant (Variation ID: 597490). This variant has not been reported in the literature in individuals affected with ABCG8-related conditions. This variant is present in population databases (no rsID available, gnomAD no frequency). This sequence change replaces isoleucine, which is neutral and non-polar, with asparagine, which is neutral and polar, at codon 407 of the ABCG8 protein (p.Ile407Asn).

Eurofins Ntd Llc (ga)
Classification: Uncertain significance. Last evaluated: 2018-06-07. Review status: criteria provided, single submitter. Criteria: EGL ClinVar v180209 classification definitions. Collection method: clinical testing. Allele origin: germline. Observed: 1 variant allele, 1 heterozygote.

NM_022437.3(ABCG8):c.1220T>A (p.Ile407Asn)

Gene: ABCG8 (ATP binding cassette subfamily G member 8; plus strand). Cytogenetic location: 2p21.
Variant type: single nucleotide variant.
Coding change: c.1220T>A on transcript NM_022437.3 (MANE Select); coding-DNA position 1220, T replaced by A.
Protein change: p.Ile407Asn; replaces isoleucine 407 with asparagine.
Molecular consequence: missense variant.
Genome position (GRCh38, 1-based): chr2:43,873,795, T>A. VCF-style: chr2-43873795-T-A. GRCh37 (hg19) VCF-style: chr2-44100934-T-A.
Other names: c.1217T>A, p.Ile406Asn (NM_001357321.2); c.1220T>A (NM_022437.2); short protein forms I407N, I406N.
Identifiers: ClinVar variation 597490 (VCV000597490.8), dbSNP rs992386164, ClinGen allele CA46468065.